The following is an entry in ClinVar:

ClinVar aggregate classification (germline): Uncertain significance (1 of 4 stars; one submission).

Conditions:
TUBA4A-related disorder. Also called: TUBA4A-related condition.

Submission:

PreventionGenetics, part of Exact Sciences
Classification: Uncertain significance for TUBA4A-related condition. Last evaluated: 2025-10-30. Review status: criteria provided, single submitter. Criteria: ACMG Guidelines, 2015. Collection method: clinical testing. Allele origin: germline.
Comment: The TUBA4A c.3G>A variant is predicted to disrupt the translation initiation site (Start Loss). To our knowledge, this variant has not been reported in the literature or in a large population database (gnomAD), indicating this variant is rare. The next methionine residue occurs at codon 16. Although we suspect that this variant may be pathogenic, at this time, the clinical significance of this variant is uncertain due to the absence of conclusive functional and genetic evidence.

NM_006000.3(TUBA4A):c.3G>A (p.Met1Ile)

Genes: TUBA4A (tubulin alpha 4a; minus strand), TUBA4B (tubulin alpha 4b; plus strand). Cytogenetic location: 2q35.
Variant type: single nucleotide variant.
Coding change: c.3G>A on transcript NM_006000.3 (MANE Select); coding-DNA position 3, G replaced by A.
Protein change: p.Met1Ile; changes the start codon (methionine 1).
Molecular consequence: missense variant, initiator codon variant. On other transcripts: intron variant (2).
Genome position (GRCh38, 1-based): chr2:219,253,856, C>T on the plus strand (G>A on the coding strand, the complement: TUBA4A is on the minus strand). VCF-style: chr2-219253856-C-T. GRCh37 (hg19) VCF-style: chr2-220118578-C-T.
Other names: c.-43+239G>A (NM_001278552.2); c.12+437C>T (NM_001355221.1); short protein forms M1I.
Identifiers: ClinVar variation 4992379 (VCV004992379.1).
Genomic context (GRCh38, chr2:219,253,856, plus strand): 5'-GTCCCCCAAAGGAGAGGGGCAATTAGGGGACAGGCGCGACCCCGGCCGGGCCGCACTCAC[C>T]ATGGTGAGTCCGGGCGGTGCGTCTCACGTTGAGTCGGGGTGACAGGTCTCAGTGAGAACT-3'
Protein context (NP_005991.1, residues 1-11): [Met1Ile]RECISVHVGQ